The following is an entry in ClinVar:

ClinVar aggregate classification (germline): Uncertain significance (1 of 4 stars; one submission).

Conditions:
Age related macular degeneration 4. Identifiers: MedGen C1853147, MONDO:0012540, OMIM 610698.

Submission:

Genomenon, Inc
Classification: Uncertain significance for Age related macular degeneration 4. Last evaluated: 2025-10-02. Review status: criteria provided, single submitter. Criteria: Genomenon Sequence Variant Interpretation Standards - Updated. Collection method: curation. Allele origin: germline. Affected: yes.
Comment: CFH p.Val206Met (c.616G>A) is a missense variant that changes the amino acid at residue 206 from Valine to Methionine. This variant has been observed in at least one proband affected with age-related macular degeneration (PMID:26501415). It is absent or not present at a significant frequency in gnomAD. In silico models agree that this variant is not damaging. In conclusion, we classify CFH p.Val206Met (c.616G>A) as a variant of uncertain significance.

Literature cited by the submitters: PubMed 26501415.

NM_000186.4(CFH):c.616G>A (p.Val206Met)

Gene: CFH (complement factor H; plus strand). Cytogenetic location: 1q31.3.
Variant type: single nucleotide variant.
Coding change: c.616G>A on transcript NM_000186.4 (MANE Select); coding-DNA position 616, G replaced by A.
Protein change: p.Val206Met; replaces valine 206 with methionine.
Molecular consequence: missense variant.
Genome position (GRCh38, 1-based): chr1:196,677,664, G>A. VCF-style: chr1-196677664-G-A. GRCh37 (hg19) VCF-style: chr1-196646794-G-A.
Other names: c.616G>A, p.Val206Met (NM_001014975.3); short protein forms V206M.
Identifiers: ClinVar variation 4291310 (VCV004291310.1).